The following is an entry in ClinVar:

ClinVar aggregate classification (germline): Uncertain significance (1 of 4 stars; one submission).

Conditions:
Tuberous sclerosis 2 (TSC2). Identifiers: Orphanet 805, MedGen C1860707, MONDO:0013199, OMIM 613254.

Submission:

Labcorp Genetics (formerly Invitae), Labcorp
Classification: Uncertain significance for Tuberous sclerosis 2. Last evaluated: 2021-11-22. Review status: criteria provided, single submitter. Criteria: Invitae Variant Classification Sherloc (09022015). Collection method: clinical testing. Allele origin: germline.
Comment: In summary, the available evidence is currently insufficient to determine the role of this variant in disease. Therefore, it has been classified as a Variant of Uncertain Significance. This sequence change replaces glutamic acid, which is acidic and polar, with glycine, which is neutral and non-polar, at codon 1113 of the TSC2 protein (p.Glu1113Gly). Advanced modeling of protein sequence and biophysical properties (such as structural, functional, and spatial information, amino acid conservation, physicochemical variation, residue mobility, and thermodynamic stability) performed at Invitae indicates that this missense variant is not expected to disrupt TSC2 protein function. This variant has not been reported in the literature in individuals affected with TSC2-related conditions. This variant is not present in population databases (gnomAD no frequency).

NM_000548.5(TSC2):c.3338A>G (p.Glu1113Gly)

Gene: TSC2 (TSC complex subunit 2; plus strand). Cytogenetic location: 16p13.3.
Variant type: single nucleotide variant.
Coding change: c.3338A>G on transcript NM_000548.5 (MANE Select); coding-DNA position 3338, A replaced by G.
Protein change: p.Glu1113Gly; replaces glutamic acid 1113 with glycine.
Molecular consequence: missense variant.
Genome position (GRCh38, 1-based): chr16:2,079,610, A>G. VCF-style: chr16-2079610-A-G. GRCh37 (hg19) VCF-style: chr16-2129611-A-G.
Other names: c.3206A>G, p.Glu1069Gly (NM_001077183.3, NM_001370404.1); c.3338A>G, p.Glu1113Gly (NM_001114382.3); c.3098A>G, p.Glu1033Gly (NM_001318827.2); c.3062A>G, p.Glu1021Gly (NM_001318829.2); c.2606A>G, p.Glu869Gly (NM_001318831.2); c.3239A>G, p.Glu1080Gly (NM_001318832.2); c.3209A>G, p.Glu1070Gly (NM_001363528.2, NM_001370405.1, NM_021055.3); short protein forms E1069G, E1021G, E1080G, E1113G, E1070G, E1033G, E869G.
Identifiers: ClinVar variation 1492659 (VCV001492659.6), dbSNP rs2151445909, ClinGen allele CA394286621.